The following is an entry in ClinVar:

ClinVar aggregate classification (germline): Uncertain significance. Review status: criteria provided, multiple submitters, no conflicts (2 of 4 stars). 2 submissions from 2 submitters: Uncertain significance (2). Last evaluated 2025-03-14.

Conditions:
Hereditary cancer-predisposing syndrome. Also called: Hereditary Cancer Syndrome; Tumor predisposition; Hereditary neoplastic syndrome; Neoplastic Syndromes, Hereditary. Identifiers: Orphanet 140162, MedGen C0027672, MeSH D009386, MONDO:0015356.
Rhabdoid tumor predisposition syndrome 2 (RTPS2). Identifiers: Orphanet 231108, Orphanet 69077, MedGen C2750074, MONDO:0013224, OMIM 613325.

Allele frequency attached by ClinVar (database versions not stated): TOPMed below 0.00001; gnomAD 0.00001.
gnomAD v4.1: 1 of 1,613,594 alleles (0.000062%); highest among the groups gnomAD compares: Non-Finnish European, 0.000085%; no homozygotes.

Submissions (2):

Ambry Genetics
Classification: Uncertain significance for Hereditary cancer-predisposing syndrome. Last evaluated: 2025-03-14. Review status: criteria provided, single submitter. Criteria: Ambry Variant Classification Scheme 2023. Collection method: clinical testing. Allele origin: germline.
Comment: The p.D158N variant (also known as c.472G>A), located in coding exon 3 of the SMARCA4 gene, results from a G to A substitution at nucleotide position 472. The aspartic acid at codon 158 is replaced by asparagine, an amino acid with highly similar properties. This amino acid position is conserved. In addition, this alteration is predicted to be tolerated by in silico analysis. Based on the available evidence, the clinical significance of this variant remains unclear.

Labcorp Genetics (formerly Invitae), Labcorp
Classification: Uncertain significance for Rhabdoid tumor predisposition syndrome 2. Last evaluated: 2021-06-10. Review status: criteria provided, single submitter. Criteria: Invitae Variant Classification Sherloc (09022015). Collection method: clinical testing. Allele origin: germline.
Comment: This variant has not been reported in the literature in individuals with SMARCA4-related conditions. In summary, the available evidence is currently insufficient to determine the role of this variant in disease. Therefore, it has been classified as a Variant of Uncertain Significance. Algorithms developed to predict the effect of missense changes on protein structure and function are either unavailable or do not agree on the potential impact of this missense change (SIFT: "Deleterious"; PolyPhen-2: "Benign"; Align-GVGD: "Class C0"). This variant is not present in population databases (ExAC no frequency). This sequence change replaces aspartic acid with asparagine at codon 158 of the SMARCA4 protein (p.Asp158Asn). The aspartic acid residue is highly conserved and there is a small physicochemical difference between aspartic acid and asparagine.

NM_003072.5(SMARCA4):c.472G>A (p.Asp158Asn)

Gene: SMARCA4 (SWI/SNF related BAF chromatin remodeling complex subunit ATPase 4; plus strand). Cytogenetic location: 19p13.2.
Variant type: single nucleotide variant.
Coding change: c.472G>A on transcript NM_003072.5 (MANE Select); coding-DNA position 472, G replaced by A.
Protein change: p.Asp158Asn; replaces aspartic acid 158 with asparagine.
Molecular consequence: missense variant. On other transcripts: non-coding transcript variant (1).
Genome position (GRCh38, 1-based): chr19:10,986,305, G>A. VCF-style: chr19-10986305-G-A. GRCh37 (hg19) VCF-style: chr19-11096981-G-A.
Other names: c.472G>A, p.Asp158Asn (NM_001128844.3, NM_001128845.2, NM_001128846.2 and 5 more transcripts); c.472G>A (NM_001128849.1); short protein forms D158N.
Identifiers: ClinVar variation 1418516 (VCV001418516.9), dbSNP rs1386092080, ClinGen allele CA404056058.